The following is an entry in ClinVar:

NM_003031.4(SIAH1):c.-2-3032_-2-3030dup

Gene: SIAH1 (siah E3 ubiquitin protein ligase 1; minus strand). Cytogenetic location: 16q12.1.
Variant type: Duplication.
Coding change: c.-2-3032_-2-3030dup on transcript NM_003031.4 (MANE Select); 3032 bases into the intron before 2 bases upstream of the start codon through 3030 bases into the intron before 2 bases upstream of the start codon, 3 bases duplicated (ACT; older notation c.-2-3032_-2-3030dupACT).
Molecular consequence: intron variant. On other transcripts: inframe insertion (1).
Genome position (GRCh38, 1-based): chr16:48,365,460-48,365,462, AGT duplicated on the plus strand (ACT on the coding strand, the reverse complement: SIAH1 is on the minus strand); duplicating any 3 consecutive bases within chr16:48,365,460-48,365,464 gives the same sequence; the c. name uses the placement nearest the transcript's 3' end. VCF-style (leftmost placement, unchanged base first): chr16-48365459-G-GAGT. GRCh37 (hg19) VCF-style: chr16-48399370-G-GAGT.
Other names: c.16_18dup, p.Thr6_Pro7insThr (NM_001006610.2).
Identifiers: ClinVar variation 4532700 (VCV004532700.1).

ClinVar aggregate classification (germline): Uncertain significance (1 of 4 stars; one submission).

Submission:

GeneDx
Classification: Uncertain significance. Last evaluated: 2025-05-29. Review status: criteria provided, single submitter. Criteria: GeneDx Variant Classification Process June 2021. Collection method: clinical testing. Allele origin: germline. Affected: yes.
Comment: Not observed at significant frequency in large population cohorts (gnomAD); In-frame duplication of 1 amino acid(s) in a non-repeat region; Has not been previously published as pathogenic or benign to our knowledge